The following is an entry in ClinVar:

ClinVar aggregate classification (germline): Likely pathogenic (1 of 4 stars; one submission).

Conditions:
Retinitis pigmentosa (RP). Identifiers: Orphanet 791, MedGen C0035334, MeSH D012174, MONDO:0019200, OMIM 268000. Inheritance: Autosomal dominant, autosomal recessive and X linked inheritance.

Submission:

Lab De Baere, Eye and Developmental Genetics Lab, Ghent University
Classification: Likely pathogenic for Retinitis pigmentosa. Last evaluated: 2024-10-01. Review status: criteria provided, single submitter. Criteria: ACMG Guidelines, 2015. Collection method: research. Allele origin: inherited. Affected: yes. Observed: 2 variant alleles.
Comment: ACMG/AMP guidelines: PVS1, PM2

NM_014336.5(AIPL1):c.931del (p.Arg311fs)

Gene: AIPL1 (AIP like 1 HSP90 co-chaperone; minus strand). Cytogenetic location: 17p13.2.
Variant type: Deletion.
Coding change: c.931del on transcript NM_014336.5 (MANE Select); coding-DNA position 931, one base deleted (C; older notation c.931delC).
Protein change: p.Arg311fs; shifts the reading frame from arginine 311.
Molecular consequence: frameshift variant. On other transcripts: 3 prime UTR variant (1).
Genome position (GRCh38, 1-based): chr17:6,425,684, G deleted on the plus strand (C on the coding strand, the reverse complement: AIPL1 is on the minus strand); the first of 2 consecutive G bases (chr17:6,425,684-6,425,685); deleting either gives the same sequence. VCF-style (leftmost placement, unchanged base first): chr17-6425683-CG-C. GRCh37 (hg19) VCF-style: chr17-6329003-CG-C.
Other names: c.742del, p.Arg248fs (NM_001033054.3); c.751del, p.Arg251fs (NM_001033055.3); c.895del, p.Arg299fs (NM_001285399.3); c.865del, p.Arg289fs (NM_001285400.3); c.859del, p.Arg287fs (NM_001285401.3); c.814del, p.Arg272fs (NM_001285402.2); c.*902del (NM_001285403.4); short protein forms R251fs, R289fs, R272fs, R287fs, R299fs, R311fs, R248fs.
Identifiers: ClinVar variation 3544466 (VCV003544466.1).